The following is an entry in ClinVar:

NM_001232.4(CASQ2):c.1015-6C>G

Gene: CASQ2 (calsequestrin 2; minus strand). Cytogenetic location: 1p13.1.
Variant type: single nucleotide variant.
Coding change: c.1015-6C>G on transcript NM_001232.4 (MANE Select); 6 bases into the intron before coding-DNA position 1015, C replaced by G.
Molecular consequence: intron variant.
Genome position (GRCh38, 1-based): chr1:115,701,432, G>C on the plus strand (C>G on the coding strand, the complement: CASQ2 is on the minus strand). VCF-style: chr1-115701432-G-C. GRCh37 (hg19) VCF-style: chr1-116244053-G-C.
Identifiers: ClinVar variation 4722846 (VCV004722846.1).
Genomic context (GRCh38, chr1:115,701,432, plus strand): 5'-CCTCAGCAGTTGGAAGATCGTCATCATCTGGAATCTCCATCCAGACACTGTCAGCCTGCA[G>C]TGAGGGACAAAATGAATGAGTGGGTAAATGCATGAGGGCTGAACCAGACCAGGGATAGCC-3'

ClinVar aggregate classification (germline): Uncertain significance (1 of 4 stars; one submission).

Conditions:
Catecholaminergic polymorphic ventricular tachycardia 1. Also called: RYR2-Related Catecholaminergic Polymorphic Ventricular Tachycardia; VENTRICULAR TACHYCARDIA, STRESS-INDUCED POLYMORPHIC 1; VENTRICULAR TACHYCARDIA, CATECHOLAMINERGIC POLYMORPHIC, 1, WITH OR WITHOUT ATRIAL DYSFUNCTION AND/OR DILATED CARDIOMYOPATHY. Identifiers: Orphanet 3286, MedGen C1631597, MONDO:0011484, OMIM 604772.

Submission:

Labcorp Genetics (formerly Invitae), Labcorp
Classification: Uncertain significance for Catecholaminergic polymorphic ventricular tachycardia 1. Last evaluated: 2025-07-08. Review status: criteria provided, single submitter. Criteria: Invitae Variant Classification Sherloc (09022015). Collection method: clinical testing. Allele origin: germline.
Comment: This sequence change falls in intron 10 of the CASQ2 gene. It does not directly change the encoded amino acid sequence of the CASQ2 protein. This variant is not present in population databases (gnomAD no frequency). This variant has not been reported in the literature in individuals affected with CASQ2-related conditions. Algorithms developed to predict the effect of sequence changes on RNA splicing suggest that this variant may disrupt the consensus splice site. In summary, the available evidence is currently insufficient to determine the role of this variant in disease. Therefore, it has been classified as a Variant of Uncertain Significance.